The following is an entry in ClinVar:

ClinVar aggregate classification (germline): Uncertain significance. Review status: criteria provided, multiple submitters, no conflicts (2 of 4 stars). 4 submissions from 4 submitters: Uncertain significance (4). Last evaluated 2025-06-25.

Conditions:
PKD1-related disorder. Also called: PKD1-related condition.
Inborn genetic diseases. Identifiers: MedGen C0950123, MeSH D030342.
Polycystic kidney disease, adult type (PKD1). Also called: Polycystic Kidney Disease 1, Autosomal Dominant; Polycystic kidney disease 1; Polycystic kidney disease 1, severe; Polycystic Kidney, Autosomal Dominant; POLYCYSTIC KIDNEY DISEASE, ADULT, TYPE I; POLYCYSTIC KIDNEY DISEASE 1 WITH OR WITHOUT POLYCYSTIC LIVER DISEASE. Identifiers: MedGen C3149841, MONDO:0008263, OMIM 173900.

Allele frequency attached by ClinVar (database versions not stated): gnomAD exomes 0.00005; ESP Exome Variant Server 0.00008; TOPMed 0.00008; gnomAD 0.00009 and 0.00010.
gnomAD v4.1: 93 of 1,600,604 alleles (0.0058%); highest among the groups gnomAD compares: South Asian, 0.016%; no homozygotes.

Submissions (4):

Ambry Genetics
Classification: Uncertain significance for Inborn genetic diseases. Last evaluated: 2025-06-25. Review status: criteria provided, single submitter. Criteria: Ambry Variant Classification Scheme 2023. Collection method: clinical testing. Allele origin: germline.

PreventionGenetics, part of Exact Sciences
Classification: Uncertain significance for PKD1-related condition. Last evaluated: 2023-10-13. Review status: criteria provided, single submitter. Criteria: ACMG Guidelines, 2015. Collection method: clinical testing. Allele origin: germline.
Comment: The PKD1 c.8590G>A variant is predicted to result in the amino acid substitution p.Glu2864Lys. To our knowledge, this variant has not been reported in the literature. This variant is reported in 0.031% of alleles in individuals of African descent in gnomAD, which may be too common to be a primary cause of disease. Although we suspect this variant may be benign, at this time, the clinical significance is uncertain due to the absence of conclusive functional and genetic evidence.

Fulgent Genetics
Classification: Uncertain significance for Polycystic kidney disease, adult type. Last evaluated: 2022-01-25. Review status: criteria provided, single submitter. Criteria: ACMG Guidelines, 2015. Collection method: clinical testing. Allele origin: unknown.

Department of Pathology and Laboratory Medicine, Sinai Health System
Classification: Uncertain significance. Last evaluated: 2016-08-25. Review status: criteria provided, single submitter. Criteria: ACMG Guidelines, 2015. Collection method: clinical testing. Allele origin: germline. Affected: yes. Study: The Canadian Open Genetics Repository (COGR).

NM_001009944.3(PKD1):c.8590G>A (p.Glu2864Lys)

Gene: PKD1 (polycystin 1, transient receptor potential channel interacting; minus strand). Cytogenetic location: 16p13.3.
Variant type: single nucleotide variant.
Coding change: c.8590G>A on transcript NM_001009944.3 (MANE Select); coding-DNA position 8590, G replaced by A.
Protein change: p.Glu2864Lys; replaces glutamic acid 2864 with lysine.
Molecular consequence: missense variant.
Genome position (GRCh38, 1-based): chr16:2,103,467, C>T on the plus strand (G>A on the coding strand, the complement: PKD1 is on the minus strand). VCF-style: chr16-2103467-C-T. GRCh37 (hg19) VCF-style: chr16-2153468-C-T.
Other names: c.8590G>A, p.Glu2864Lys (NM_000296.4); c.8590G>A (NM_000296.3); short protein forms E2864K.
Identifiers: ClinVar variation 433993 (VCV000433993.7), dbSNP rs374629549, ClinGen allele CA7830462.